The following is an entry in ClinVar:

NM_001127198.5(TMC6):c.2326G>A (p.Glu776Lys)

Gene: TMC6 (transmembrane channel like 6; minus strand). Cytogenetic location: 17q25.3.
Variant type: single nucleotide variant.
Coding change: c.2326G>A on transcript NM_001127198.5 (MANE Select); coding-DNA position 2326, G replaced by A.
Protein change: p.Glu776Lys; replaces glutamic acid 776 with lysine.
Molecular consequence: missense variant. On other transcripts: non-coding transcript variant (4).
Genome position (GRCh38, 1-based): chr17:78,113,576, C>T on the plus strand (G>A on the coding strand, the complement: TMC6 is on the minus strand). VCF-style: chr17-78113576-C-T. GRCh37 (hg19) VCF-style: chr17-76109657-C-T.
Other names: c.2326G>A, p.Glu776Lys (NM_001321185.1, NM_001374596.1, NM_001375353.1 and 2 more transcripts); c.2146G>A, p.Glu716Lys (NM_001374593.1, NM_001374594.1); c.2326G>A (NM_007267.6); short protein forms E776K, E716K.
Identifiers: ClinVar variation 1421916 (VCV001421916.8), dbSNP rs760748540, ClinGen allele CA8795320.

ClinVar aggregate classification (germline): Uncertain significance. Review status: criteria provided, multiple submitters, no conflicts (2 of 4 stars). 2 submissions from 2 submitters: Uncertain significance (2). Last evaluated 2025-03-03.

Conditions:
Epidermodysplasia verruciformis. Identifiers: Orphanet 302, MedGen C0014522, MONDO:0009176.
Inborn genetic diseases. Identifiers: MedGen C0950123, MeSH D030342.

Allele frequency attached by ClinVar (database versions not stated): gnomAD 0.00001; gnomAD exomes 0.00001 and 0.00002; ExAC 0.00002.
gnomAD v4.1: 20 of 1,613,864 alleles (0.0012%); highest among the groups gnomAD compares: Admixed American, 0.0083%; no homozygotes.

Submissions (2):

Ambry Genetics
Classification: Uncertain significance for Inborn genetic diseases. Last evaluated: 2025-03-03. Review status: criteria provided, single submitter. Criteria: Ambry Variant Classification Scheme 2023. Collection method: clinical testing. Allele origin: germline.

Labcorp Genetics (formerly Invitae), Labcorp
Classification: Uncertain significance for Epidermodysplasia verruciformis. Last evaluated: 2022-07-12. Review status: criteria provided, single submitter. Criteria: Invitae Variant Classification Sherloc (09022015). Collection method: clinical testing. Allele origin: germline.
Comment: In summary, the available evidence is currently insufficient to determine the role of this variant in disease. Therefore, it has been classified as a Variant of Uncertain Significance. This sequence change replaces glutamic acid, which is acidic and polar, with lysine, which is basic and polar, at codon 776 of the TMC6 protein (p.Glu776Lys). This variant is present in population databases (rs760748540, gnomAD 0.009%). This variant has not been reported in the literature in individuals affected with TMC6-related conditions. ClinVar contains an entry for this variant (Variation ID: 1421916). Algorithms developed to predict the effect of missense changes on protein structure and function are either unavailable or do not agree on the potential impact of this missense change (SIFT: "Not Available"; PolyPhen-2: "Possibly Damaging"; Align-GVGD: "Not Available").